The following is an entry in ClinVar:

ClinVar aggregate classification (germline): Conflicting classifications of pathogenicity. Review status: criteria provided, conflicting classifications (1 of 4 stars). 2 submissions from 2 submitters: Uncertain significance (1); Likely benign (1). Last evaluated 2023-06-21.

Conditions:
Hereditary cancer-predisposing syndrome. Also called: Tumor predisposition; Neoplastic Syndromes, Hereditary; Hereditary neoplastic syndrome; Hereditary Cancer Syndrome. Identifiers: Orphanet 140162, MedGen C0027672, MeSH D009386, MONDO:0015356.
Ataxia-telangiectasia syndrome (AT). Also called: Ataxia-telangiectasia, complementation group D; AT, COMPLEMENTATION GROUP C; ATAXIA-TELANGIECTASIA, COMPLEMENTATION GROUP A; ATAXIA-TELANGIECTASIA, FRESNO VARIANT; Ataxia-telangiectasia; Ataxia telangiectasia (A-T). Identifiers: Orphanet 100, MedGen C0004135, MONDO:0008840, OMIM 208900.

Submissions (2):

Ambry Genetics
Classification: Likely benign for Hereditary cancer-predisposing syndrome. Last evaluated: 2023-06-21. Review status: criteria provided, single submitter. Criteria: Ambry Variant Classification Scheme 2023. Collection method: clinical testing. Allele origin: germline.

Labcorp Genetics (formerly Invitae), Labcorp
Classification: Uncertain significance for Ataxia-telangiectasia syndrome. Last evaluated: 2022-11-01. Review status: criteria provided, single submitter. Criteria: Invitae Variant Classification Sherloc (09022015). Collection method: clinical testing. Allele origin: germline.
Comment: This variant has not been reported in the literature in individuals affected with ATM-related conditions. ClinVar contains an entry for this variant (Variation ID: 947399). Algorithms developed to predict the effect of missense changes on protein structure and function (SIFT, PolyPhen-2, Align-GVGD) all suggest that this variant is likely to be tolerated. In summary, the available evidence is currently insufficient to determine the role of this variant in disease. Therefore, it has been classified as a Variant of Uncertain Significance. This sequence change replaces phenylalanine, which is neutral and non-polar, with leucine, which is neutral and non-polar, at codon 2219 of the ATM protein (p.Phe2219Leu). This variant is not present in population databases (gnomAD no frequency).

NM_000051.4(ATM):c.6657T>G (p.Phe2219Leu)

Genes: C11orf65 (chromosome 11 open reading frame 65; minus strand), ATM (ATM serine/threonine kinase; plus strand). Cytogenetic location: 11q22.3.
Variant type: single nucleotide variant.
Coding change: c.6657T>G on transcript NM_000051.4 (MANE Select); coding-DNA position 6657, T replaced by G.
Protein change: p.Phe2219Leu; replaces phenylalanine 2219 with leucine.
Molecular consequence: missense variant. On other transcripts: intron variant (2).
Genome position (GRCh38, 1-based): chr11:108,325,394, T>G. VCF-style: chr11-108325394-T-G. GRCh37 (hg19) VCF-style: chr11-108196121-T-G.
Other names: c.6657T>G, p.Phe2219Leu (NM_001351834.2); c.641-16323A>C (NM_001330368.2); c.*38+9826A>C (NM_001351110.2); short protein forms F2219L.
Identifiers: ClinVar variation 947399 (VCV000947399.12), dbSNP rs2085560685, ClinGen allele CA382554835.